The following is an entry in ClinVar:

ClinVar aggregate classification (germline): Uncertain significance (1 of 4 stars; one submission).

gnomAD v4.1: 1 of 1,614,022 alleles (0.000062%); no homozygotes.

Submission:

Ambry Genetics
Classification: Uncertain significance. Last evaluated: 2025-06-25. Review status: criteria provided, single submitter. Criteria: Ambry Variant Classification Scheme 2023. Collection method: clinical testing. Allele origin: germline.
Comment: The p.N312S variant (also known as c.935A>G), located in coding exon 9 of the FAM175A gene, results from an A to G substitution at nucleotide position 935. The asparagine at codon 312 is replaced by serine, an amino acid with highly similar properties. This amino acid position is conserved. In addition, this alteration is predicted to be tolerated by in silico analysis. Based on the available evidence, the clinical significance of this variant remains unclear.

NM_139076.3(ABRAXAS1):c.935A>G (p.Asn312Ser)

Gene: ABRAXAS1 (abraxas 1, BRCA1 A complex subunit; minus strand). Cytogenetic location: 4q21.23.
Variant type: single nucleotide variant.
Coding change: c.935A>G on transcript NM_139076.3 (MANE Select); coding-DNA position 935, A replaced by G.
Protein change: p.Asn312Ser; replaces asparagine 312 with serine.
Molecular consequence: missense variant.
Genome position (GRCh38, 1-based): chr4:83,462,764, T>C on the plus strand (A>G on the coding strand, the complement: ABRAXAS1 is on the minus strand). VCF-style: chr4-83462764-T-C. GRCh37 (hg19) VCF-style: chr4-84383917-T-C.
Other names: c.608A>G, p.Asn203Ser (NM_001345962.2); short protein forms N312S, N203S.
Identifiers: ClinVar variation 4184710 (VCV004184710.1).
Genomic context (GRCh38, chr4:83,462,764, plus strand): 5'-ATGTCAGTGTGTTCTACCATTAAGGTCAGATTGTCTACTACATCGAGATGGTGGTTGTAG[T>C]TACAGCTACTTTTAGAAACATGTCTATTTTTTAAAGACATAACACATGAATGAAGAAATT-3'
Protein context (NP_620775.2, residues 302-322): KNRHVSKSSC[Asn312Ser]YNHHLDVVDN